The following is an entry in ClinVar:

NM_020433.5(JPH2):c.889A>G (p.Asn297Asp)

Gene: JPH2 (junctophilin 2; minus strand). Cytogenetic location: 20q13.12.
Variant type: single nucleotide variant.
Coding change: c.889A>G on transcript NM_020433.5 (MANE Select); coding-DNA position 889, A replaced by G.
Protein change: p.Asn297Asp; replaces asparagine 297 with aspartic acid.
Molecular consequence: missense variant.
Genome position (GRCh38, 1-based): chr20:44,159,898, T>C on the plus strand (A>G on the coding strand, the complement: JPH2 is on the minus strand). VCF-style: chr20-44159898-T-C. GRCh37 (hg19) VCF-style: chr20-42788538-T-C.
Other names: short protein forms N297D.
Identifiers: ClinVar variation 4040895 (VCV004040895.1).

ClinVar aggregate classification (germline): Uncertain significance (1 of 4 stars; one submission).

Conditions:
Cardiovascular phenotype. Identifiers: MedGen CN230736.

gnomAD v4.1: 1 of 1,612,628 alleles (0.000062%); highest among the groups gnomAD compares: Non-Finnish European, 0.000085%; no homozygotes.

Submission:

Ambry Genetics
Classification: Uncertain significance for Cardiovascular phenotype. Last evaluated: 2025-04-05. Review status: criteria provided, single submitter. Criteria: Ambry Variant Classification Scheme 2023. Collection method: clinical testing. Allele origin: germline.
Comment: The p.N297D variant (also known as c.889A>G), located in coding exon 2 of the JPH2 gene, results from an A to G substitution at nucleotide position 889. The asparagine at codon 297 is replaced by aspartic acid, an amino acid with highly similar properties. This amino acid position is conserved. In addition, this alteration is predicted to be tolerated by in silico analysis. Based on the available evidence, the clinical significance of this variant remains unclear.